The following is an entry in ClinVar:

ClinVar aggregate classification (germline): Uncertain significance (1 of 4 stars; one submission).

Conditions:
Asphyxiating thoracic dystrophy 3. Also called: SHORT-RIB THORACIC DYSPLASIA 3 WITH OR WITHOUT POLYDACTYLY; POLYDACTYLY WITH NEONATAL CHONDRODYSTROPHY, TYPE I; SHORT-RIB THORACIC DYSPLASIA 3/6 WITH POLYDACTYLY, DIGENIC; Short rib polydactyly syndrome 2B; Saldino-Noonan Syndrome. Identifiers: Orphanet 474, Orphanet 93269, Orphanet 93270, Orphanet 93271, MedGen C0036069, MONDO:0013127, OMIM 613091.

Submission:

Dasa
Classification: Uncertain significance for Asphyxiating thoracic dystrophy 3. Last evaluated: 2025-03-30. Review status: criteria provided, single submitter. Criteria: DASA Assertion Criteria. Collection method: clinical testing. Allele origin: germline.
Comment: NM_001377.3(DYNC2H1):c.11080G>C (p.Ala3694Pro) is a missense variant that results in the substitution of alanine with proline. This variant is absent from population databases. The currently available literature and clinical evidence are not sufficient to establish a definitive association between this variant and the reported condition. Therefore, this variant is classified as a variant of uncertain significance.

NM_001377.3(DYNC2H1):c.11080G>C (p.Ala3694Pro)

Gene: DYNC2H1 (dynein cytoplasmic 2 heavy chain 1; plus strand). Cytogenetic location: 11q22.3.
Variant type: single nucleotide variant.
Coding change: c.11080G>C on transcript NM_001377.3 (MANE Select); coding-DNA position 11080, G replaced by C.
Protein change: p.Ala3694Pro; replaces alanine 3694 with proline.
Molecular consequence: missense variant.
Genome position (GRCh38, 1-based): chr11:103,287,590, G>C. VCF-style: chr11-103287590-G-C. GRCh37 (hg19) VCF-style: chr11-103158319-G-C.
Other names: c.11101G>C, p.Ala3701Pro (NM_001080463.2); short protein forms A3694P, A3701P.
Identifiers: ClinVar variation 4882644 (VCV004882644.2).